The following is an entry in ClinVar:

NM_001256545.2(MEGF10):c.2980+9T>C

Gene: MEGF10 (multiple EGF like domains 10; plus strand). Cytogenetic location: 5q23.2.
Variant type: single nucleotide variant.
Coding change: c.2980+9T>C on transcript NM_001256545.2 (MANE Select); 9 bases into the intron after coding-DNA position 2980, T replaced by C.
Molecular consequence: intron variant.
Genome position (GRCh38, 1-based): chr5:127,449,231, T>C. VCF-style: chr5-127449231-T-C. GRCh37 (hg19) VCF-style: chr5-126784923-T-C.
Other names: c.2980+9T>C (NM_032446.3).
Identifiers: ClinVar variation 512265 (VCV000512265.2), dbSNP rs779077674, ClinGen allele CA3392082.

ClinVar aggregate classification (germline): Likely benign. Review status: criteria provided, multiple submitters, no conflicts (2 of 4 stars). 2 submissions from 2 submitters: Likely benign (2). Last evaluated 2025-04-07.

Conditions:
MEGF10-related myopathy (CMYO10A). Also called: Congenital myopathy 10A, severe variant. Identifiers: Orphanet 439212, MedGen C3280679, MONDO:0013731, OMIM 614399.

Allele frequency attached by ClinVar (database versions not stated): ExAC 0.00001; gnomAD exomes 0.00001.
gnomAD v4.1: 3 of 1,613,178 alleles (0.00019%); highest among the groups gnomAD compares: East Asian, 0.0067%; no homozygotes.

Submissions (2):

Labcorp Genetics (formerly Invitae), Labcorp
Classification: Likely benign for MEGF10-related myopathy. Last evaluated: 2025-04-07. Review status: criteria provided, single submitter. Criteria: Invitae Variant Classification Sherloc (09022015). Collection method: clinical testing. Allele origin: germline.

GeneDx
Classification: Likely benign. Last evaluated: 2017-09-25. Review status: criteria provided, single submitter. Criteria: GeneDx Variant Classification (06012015). Collection method: clinical testing. Allele origin: germline. Affected: yes.
Comment: This variant is considered likely benign or benign based on one or more of the following criteria: it is a conservative change, it occurs at a poorly conserved position in the protein, it is predicted to be benign by multiple in silico algorithms, and/or has population frequency not consistent with disease.